The following is an entry in ClinVar:

ClinVar aggregate classification (germline): Uncertain significance (1 of 4 stars; one submission).

Allele frequency attached by ClinVar (database versions not stated): TOPMed 0.00003.
gnomAD v4.1: 17 of 1,612,816 alleles (0.0011%); highest among the groups gnomAD compares: African/African-American, 0.0067%; no homozygotes.

Submission:

Labcorp Genetics (formerly Invitae), Labcorp
Classification: Uncertain significance. Last evaluated: 2025-06-26. Review status: criteria provided, single submitter. Criteria: Invitae Variant Classification Sherloc (09022015). Collection method: clinical testing. Allele origin: germline.
Comment: This sequence change replaces alanine, which is neutral and non-polar, with valine, which is neutral and non-polar, at codon 419 of the PLG protein (p.Ala419Val). This variant is present in population databases (no rsID available, gnomAD 0.008%). This variant has not been reported in the literature in individuals affected with PLG-related conditions. ClinVar contains an entry for this variant (Variation ID: 2872807). An algorithm developed to predict the effect of missense changes on protein structure and function (PolyPhen-2) suggests that this variant is likely to be disruptive. In summary, the available evidence is currently insufficient to determine the role of this variant in disease. Therefore, it has been classified as a Variant of Uncertain Significance.

NM_000301.5(PLG):c.1256C>T (p.Ala419Val)

Gene: PLG (plasminogen; plus strand). Cytogenetic location: 6q26.
Variant type: single nucleotide variant.
Coding change: c.1256C>T on transcript NM_000301.5 (MANE Select); coding-DNA position 1256, C replaced by T.
Protein change: p.Ala419Val; replaces alanine 419 with valine.
Molecular consequence: missense variant.
Genome position (GRCh38, 1-based): chr6:160,722,567, C>T. VCF-style: chr6-160722567-C-T. GRCh37 (hg19) VCF-style: chr6-161143599-C-T.
Other names: short protein forms A419V.
Identifiers: ClinVar variation 2872807 (VCV002872807.3), dbSNP rs1472238075, ClinGen allele CA366363507.